The following is an entry in ClinVar:

NM_005477.3(HCN4):c.2036G>A (p.Cys679Tyr)

Gene: HCN4 (hyperpolarization activated cyclic nucleotide gated potassium channel 4; minus strand). Cytogenetic location: 15q24.1.
Variant type: single nucleotide variant.
Coding change: c.2036G>A on transcript NM_005477.3 (MANE Select); coding-DNA position 2036, G replaced by A.
Protein change: p.Cys679Tyr; replaces cysteine 679 with tyrosine.
Molecular consequence: missense variant.
Genome position (GRCh38, 1-based): chr15:73,324,196, C>T on the plus strand (G>A on the coding strand, the complement: HCN4 is on the minus strand). VCF-style: chr15-73324196-C-T. GRCh37 (hg19) VCF-style: chr15-73616537-C-T.
Other names: short protein forms C679Y.
Identifiers: ClinVar variation 959409 (VCV000959409.10), dbSNP rs2042884985, ClinGen allele CA393090234.

ClinVar aggregate classification (germline): Conflicting classifications of pathogenicity. Review status: criteria provided, conflicting classifications (1 of 4 stars). 3 submissions from 3 submitters: Likely pathogenic (1); Uncertain significance (2). Last evaluated 2026-05-22.

Conditions:
Tetralogy of Fallot (TOF). Identifiers: Orphanet 3303, MedGen C0039685, MONDO:0008542, OMIM 187500, HP:0001636.
Brugada syndrome 8 (BRGDA8). Identifiers: Orphanet 130, MedGen C2751083, MONDO:0013148, OMIM 613123.
Cardiovascular phenotype. Identifiers: MedGen CN230736.

Submissions (3):

Clinical Genetics Laboratory, Skane University Hospital Lund
Classification: Likely pathogenic for Tetralogy of Fallot. Last evaluated: 2026-05-22. Review status: criteria provided, single submitter. Criteria: ACMG Guidelines, 2015. Collection method: clinical testing. Allele origin: germline. Affected: yes.
Comment: PS2_Moderate, PS3_Supporting, PM2 and PP3

Labcorp Genetics (formerly Invitae), Labcorp
Classification: Uncertain significance for Brugada syndrome 8. Last evaluated: 2022-03-09. Review status: criteria provided, single submitter. Criteria: Invitae Variant Classification Sherloc (09022015). Collection method: clinical testing. Allele origin: germline.
Comment: This variant is not present in population databases (gnomAD no frequency). This sequence change replaces cysteine, which is neutral and slightly polar, with tyrosine, which is neutral and polar, at codon 679 of the HCN4 protein (p.Cys679Tyr). In summary, the available evidence is currently insufficient to determine the role of this variant in disease. Therefore, it has been classified as a Variant of Uncertain Significance. Advanced modeling of protein sequence and biophysical properties (such as structural, functional, and spatial information, amino acid conservation, physicochemical variation, residue mobility, and thermodynamic stability) performed at Invitae indicates that this missense variant is expected to disrupt HCN4 protein function. ClinVar contains an entry for this variant (Variation ID: 959409). This variant has not been reported in the literature in individuals affected with HCN4-related conditions.

Ambry Genetics
Classification: Uncertain significance for Cardiovascular phenotype. Last evaluated: 2021-12-08. Review status: criteria provided, single submitter. Criteria: Ambry Variant Classification Scheme 2023. Collection method: clinical testing. Allele origin: germline.
Comment: The p.C679Y variant (also known as c.2036G>A), located in coding exon 7 of the HCN4 gene, results from a G to A substitution at nucleotide position 2036. The cysteine at codon 679 is replaced by tyrosine, an amino acid with highly dissimilar properties. This amino acid position is conserved. In addition, this alteration is predicted to be deleterious by in silico analysis. Since supporting evidence is limited at this time, the clinical significance of this alteration remains unclear.